The following is an entry in ClinVar:

NM_018706.7(DHTKD1):c.2354del (p.Gly785fs)

Gene: DHTKD1 (dehydrogenase E1 and transketolase domain containing 1; plus strand). Cytogenetic location: 10p14.
Variant type: Deletion.
Coding change: c.2354del on transcript NM_018706.7 (MANE Select); coding-DNA position 2354, one base deleted (G; older notation c.2354delG).
Protein change: p.Gly785fs; shifts the reading frame from glycine 785.
Molecular consequence: frameshift variant.
Genome position (GRCh38, 1-based): chr10:12,117,707, G deleted; the last of 2 consecutive G bases (chr10:12,117,706-12,117,707); deleting either gives the same sequence. VCF-style (leftmost placement, unchanged base first): chr10-12117705-AG-A. GRCh37 (hg19) VCF-style: chr10-12159704-AG-A.
Other names: c.2354delG (NM_018706.7); short protein forms G785fs.
Identifiers: ClinVar variation 4845851 (VCV004845851.1).

ClinVar aggregate classification (germline): Likely pathogenic (1 of 4 stars; one submission).

Conditions:
2-aminoadipic 2-oxoadipic aciduria (AAKAD). Also called: Aminoadipic aciduria; ALPHA-AMINOADIPIC AND ALPHA-KETOADIPIC ACIDURIA. Identifiers: Orphanet 79154, MedGen C1859817, MONDO:0008774, OMIM 204750.

Submission:

First Genomix Gene Laboratory, Genetic Diagnostics Department
Classification: Likely pathogenic for 2-aminoadipic 2-oxoadipic aciduria. Last evaluated: 2025-03-18. Review status: criteria provided, single submitter. Criteria: ACMG Guidelines, 2015. Collection method: clinical testing. Allele origin: germline. Inheritance: Autosomal recessive inheritance. Affected: no. Observed: 1 variant allele.